The following is an entry in ClinVar:

ClinVar aggregate classification (germline): Conflicting classifications of pathogenicity. Review status: criteria provided, conflicting classifications (1 of 4 stars). 4 submissions from 4 submitters: Uncertain significance (3); Likely benign (1). Last evaluated 2026-01-28.

Conditions:
Inborn genetic diseases. Identifiers: MedGen C0950123, MeSH D030342.

Allele frequency attached by ClinVar (database versions not stated): gnomAD 0.00005; TOPMed 0.00008.
gnomAD v4.1: 217 of 1,612,364 alleles (0.013%); highest among the groups gnomAD compares: Non-Finnish European, 0.017%; no homozygotes.

Submissions (4):

Labcorp Genetics (formerly Invitae), Labcorp
Classification: Likely benign. Last evaluated: 2026-01-28. Review status: criteria provided, single submitter. Criteria: Invitae Variant Classification Sherloc (09022015). Collection method: clinical testing. Allele origin: germline.

Ambry Genetics
Classification: Uncertain significance for Inborn genetic diseases. Last evaluated: 2025-05-04. Review status: criteria provided, single submitter. Criteria: Ambry Variant Classification Scheme 2023. Collection method: clinical testing. Allele origin: germline.

Blueprint Genetics
Classification: Uncertain significance. Last evaluated: 2021-11-15. Review status: criteria provided, single submitter. Criteria: ACMG Guidelines, 2015. Collection method: clinical testing. Allele origin: germline.

GeneDx
Classification: Uncertain significance. Last evaluated: 2020-05-13. Review status: criteria provided, single submitter. Criteria: GeneDx Variant Classification Process June 2021. Collection method: clinical testing. Allele origin: germline. Affected: yes.
Comment: In silico analysis supports that this missense variant has a deleterious effect on protein structure/function; Has not been previously published as pathogenic or benign to our knowledge

NM_032119.4(ADGRV1):c.12688G>A (p.Glu4230Lys)

Gene: ADGRV1 (adhesion G protein-coupled receptor V1; plus strand). Cytogenetic location: 5q14.3.
Variant type: single nucleotide variant.
Coding change: c.12688G>A on transcript NM_032119.4 (MANE Select); coding-DNA position 12688, G replaced by A.
Protein change: p.Glu4230Lys; replaces glutamic acid 4230 with lysine.
Molecular consequence: missense variant. On other transcripts: non-coding transcript variant (1).
Genome position (GRCh38, 1-based): chr5:90,778,448, G>A. VCF-style: chr5-90778448-G-A. GRCh37 (hg19) VCF-style: chr5-90074265-G-A.
Other names: short protein forms E4230K.
Identifiers: ClinVar variation 858603 (VCV000858603.13), dbSNP rs777661211, ClinGen allele CA3341318.
Genomic context (GRCh38, chr5:90,778,448, plus strand): 5'-CACAGATTCTACTGTTGATGACTCTTTGTCTTTTTCTAGGCTTTGAACGATGACATTCCC[G>A]AGGAAAAAAGCTTCTATGAGTTTCAGCTCACTGCAGTCAGTGAGGGAGGAGTTCTGAGTG-3'
Protein context (NP_115495.3, residues 4220-4240): VIQALNDDIP[Glu4230Lys]EKSFYEFQLT